The following is an entry in ClinVar:

ClinVar aggregate classification (germline): Uncertain significance (1 of 4 stars; one submission).

gnomAD v4.1: 4 of 1,547,710 alleles (0.00026%); highest among the groups gnomAD compares: Non-Finnish European, 0.00035%; no homozygotes.

Submission:

Labcorp Genetics (formerly Invitae), Labcorp
Classification: Uncertain significance. Last evaluated: 2023-12-09. Review status: criteria provided, single submitter. Criteria: Invitae Variant Classification Sherloc (09022015). Collection method: clinical testing. Allele origin: germline.
Comment: This sequence change replaces threonine, which is neutral and polar, with isoleucine, which is neutral and non-polar, at codon 119 of the TOP2B protein (p.Thr119Ile). This variant is not present in population databases (gnomAD no frequency). This variant has not been reported in the literature in individuals affected with TOP2B-related conditions. An algorithm developed to predict the effect of missense changes on protein structure and function (PolyPhen-2) suggests that this variant is likely to be disruptive. In summary, the available evidence is currently insufficient to determine the role of this variant in disease. Therefore, it has been classified as a Variant of Uncertain Significance.

NM_001330700.2(TOP2B):c.371C>T (p.Thr124Ile)

Gene: TOP2B (DNA topoisomerase II beta; minus strand). Cytogenetic location: 3p24.2.
Variant type: single nucleotide variant.
Coding change: c.371C>T on transcript NM_001330700.2 (MANE Select); coding-DNA position 371, C replaced by T.
Protein change: p.Thr124Ile; replaces threonine 124 with isoleucine.
Molecular consequence: missense variant.
Genome position (GRCh38, 1-based): chr3:25,642,346, G>A on the plus strand (C>T on the coding strand, the complement: TOP2B is on the minus strand). VCF-style: chr3-25642346-G-A. GRCh37 (hg19) VCF-style: chr3-25683837-G-A.
Other names: c.356C>T, p.Thr119Ile (NM_001068.3); short protein forms T124I, T119I.
Identifiers: ClinVar variation 2701887 (VCV002701887.3), dbSNP rs752614363, ClinGen allele CA351913859.
Genomic context (GRCh38, chr3:25,642,346, plus strand): 5'-ACTTAGCATAAAAAATTAAACTTTAAATATACTTACGGATCAATAGAAACTTTAATACAA[G>A]TCATGTTCTTATCCCTCTGTTTATTGTCAGCAGCATTAACTACAAAATTAAACACCTCAA-3'
Protein context (NP_001317629.1, residues 114-134): ADNKQRDKNM[Thr124Ile]CIKVSIDPES